The following is an entry in ClinVar:

ClinVar aggregate classification (germline): Uncertain significance (0 of 4 stars; one submission).

Conditions:
PCSK1-related disorder. Also called: PCSK1-related condition.

gnomAD v4.1: 5 of 1,614,204 alleles (0.00031%); highest among the groups gnomAD compares: African/African-American, 0.0013%; no homozygotes.

Submission:

PreventionGenetics, part of Exact Sciences
Classification: Uncertain significance for PCSK1-related condition. Last evaluated: 2024-06-08. Review status: no assertion criteria provided. Collection method: clinical testing. Allele origin: germline.
Comment: The PCSK1 c.52G>T variant is predicted to result in the amino acid substitution p.Ala18Ser. This variant was observed in a cohort of obese individuals, and in vitro functional studies showed inconclusive evidence of loss of function (Supplemental Data Set, Shah et al. 2023. PubMed ID: 36864747). This variant is reported in 0.0062% of alleles in individuals of African descent in gnomAD. At this time, the clinical significance of this variant is uncertain due to the absence of conclusive functional and genetic evidence.

NM_000439.5(PCSK1):c.52G>T (p.Ala18Ser)

Genes: CAST (calpastatin; plus strand), PCSK1 (proprotein convertase subtilisin/kexin type 1; minus strand), LOC101929710 (uncharacterized LOC101929710; plus strand). Cytogenetic location: 5q15.
Variant type: single nucleotide variant.
Coding change: c.52G>T on transcript NM_000439.5 (MANE Select); coding-DNA position 52, G replaced by T.
Protein change: p.Ala18Ser; replaces alanine 18 with serine.
Molecular consequence: missense variant. On other transcripts: intron variant (11).
Genome position (GRCh38, 1-based): chr5:96,432,991, C>A on the plus strand (G>T on the coding strand, the complement: PCSK1 is on the minus strand). VCF-style: chr5-96432991-C-A. GRCh37 (hg19) VCF-style: chr5-95768695-C-A.
Other names: c.-175+53339C>A (NM_001423254.1, NM_001423259.1, NM_001423255.1 and 6 more transcripts); c.-103+53339C>A (NM_001423253.1); c.-40+53339C>A (NM_001423258.1); short protein forms A18S.
Identifiers: ClinVar variation 3346687 (VCV003346687.1).